The following is an entry in ClinVar:

ClinVar aggregate classification (germline): Likely benign. Review status: criteria provided, multiple submitters, no conflicts (2 of 4 stars). 2 submissions from 2 submitters: Likely benign (2). Last evaluated 2023-01-01.

Conditions:
Autosomal recessive limb-girdle muscular dystrophy type 2J (LGMDR10). Also called: Limb-girdle muscular dystrophy, type 2J; MUSCULAR DYSTROPHY, LIMB-GIRDLE, AUTOSOMAL RECESSIVE 10. Identifiers: Orphanet 140922, MedGen C1837342, MONDO:0012127, OMIM 608807.
Dilated cardiomyopathy 1G (CMD1G). Identifiers: Orphanet 154, MedGen C1858763, MONDO:0011400, OMIM 604145.

Submissions (2):

CeGaT Center for Human Genetics Tuebingen
Classification: Likely benign. Last evaluated: 2023-01-01. Review status: criteria provided, single submitter. Criteria: CeGaT Center For Human Genetics Tuebingen Variant Classification Criteria Version 2. Collection method: clinical testing. Allele origin: germline. Affected: yes. Observed: 1 variant allele.
Comment: TTN: PM2:Supporting, BP4, BP7

Labcorp Genetics (formerly Invitae), Labcorp
Classification: Likely benign for Dilated cardiomyopathy 1G; Autosomal recessive limb-girdle muscular dystrophy type 2J. Last evaluated: 2021-02-14. Review status: criteria provided, single submitter. Criteria: Invitae Variant Classification Sherloc (09022015). Collection method: clinical testing. Allele origin: germline.

NM_001267550.2(TTN):c.22393C>T (p.Leu7465=)

Gene: TTN (titin; minus strand). Cytogenetic location: 2q31.2.
Variant type: single nucleotide variant.
Coding change: c.22393C>T on transcript NM_001267550.2 (MANE Select); coding-DNA position 22393, C replaced by T.
Protein change: p.Leu7465=; no amino-acid change (leucine 7465 retained).
Molecular consequence: synonymous variant. On other transcripts: intron variant (3).
Genome position (GRCh38, 1-based): chr2:178,722,394, G>A on the plus strand (C>T on the coding strand, the complement: TTN is on the minus strand). VCF-style: chr2-178722394-G-A. GRCh37 (hg19) VCF-style: chr2-179587121-G-A.
Other names: c.21442C>T, p.Leu7148= (NM_001256850.1); c.18661C>T, p.Leu6221= (NM_133378.4); c.13282+15688C>T (NM_003319.4); c.13858+15688C>T (NM_133437.4); c.13657+15688C>T (NM_133432.3).
Identifiers: ClinVar variation 1598098 (VCV001598098.34), dbSNP rs1578024879, ClinGen allele CA430287630.
Genomic context (GRCh38, chr2:178,722,394, plus strand): 5'-GACTCAAGTCAGTTTGCAAAATTTTTAAAGTTGCCACATTATCTACAAATGAAGTCTGTA[G>A]ATTTTCATCGTCTCTTAAAAGTACTCCATCTCTATACCAGCACACTTGGATGGGTGCAGA-3'
Protein context (NP_001254479.2, residues 7455-7475): DGVLLRDDEN[Leu7465=]QTSFVDNVAT